The following is an entry in ClinVar:

ClinVar aggregate classification (germline): Uncertain significance (1 of 4 stars; one submission).

Submission:

Labcorp Genetics (formerly Invitae), Labcorp
Classification: Uncertain significance. Last evaluated: 2022-03-31. Review status: criteria provided, single submitter. Criteria: Invitae Variant Classification Sherloc (09022015). Collection method: clinical testing. Allele origin: germline.
Comment: This sequence change replaces serine, which is neutral and polar, with arginine, which is basic and polar, at codon 170 of the PROM1 protein (p.Ser170Arg). This variant is not present in population databases (gnomAD no frequency). This missense change has been observed in individual(s) with Stargardt disease (Invitae). Algorithms developed to predict the effect of missense changes on protein structure and function (SIFT, PolyPhen-2, Align-GVGD) all suggest that this variant is likely to be tolerated. In summary, the available evidence is currently insufficient to determine the role of this variant in disease. Therefore, it has been classified as a Variant of Uncertain Significance.

NM_006017.3(PROM1):c.510C>A (p.Ser170Arg)

Gene: PROM1 (prominin 1; minus strand). Cytogenetic location: 4p15.32.
Variant type: single nucleotide variant.
Coding change: c.510C>A on transcript NM_006017.3 (MANE Select); coding-DNA position 510, C replaced by A.
Protein change: p.Ser170Arg; replaces serine 170 with arginine.
Molecular consequence: missense variant.
Genome position (GRCh38, 1-based): chr4:16,025,312, G>T on the plus strand (C>A on the coding strand, the complement: PROM1 is on the minus strand). VCF-style: chr4-16025312-G-T. GRCh37 (hg19) VCF-style: chr4-16026935-G-T.
Other names: c.483C>A, p.Ser161Arg (NM_001145847.2, NM_001145848.2, NM_001145851.2 and 4 more transcripts); c.510C>A, p.Ser170Arg (NM_001145849.2, NM_001145850.2); short protein forms S161R, S170R.
Identifiers: ClinVar variation 2119990 (VCV002119990.4), dbSNP rs2530619884, ClinGen allele CA356424987.